The following is an entry in ClinVar:

NM_006206.6(PDGFRA):c.1208A>C (p.Lys403Thr)

Gene: PDGFRA (platelet derived growth factor receptor alpha; plus strand). Cytogenetic location: 4q12.
Variant type: single nucleotide variant.
Coding change: c.1208A>C on transcript NM_006206.6 (MANE Select); coding-DNA position 1208, A replaced by C.
Protein change: p.Lys403Thr; replaces lysine 403 with threonine.
Molecular consequence: missense variant.
Genome position (GRCh38, 1-based): chr4:54,270,719, A>C. VCF-style: chr4-54270719-A-C. GRCh37 (hg19) VCF-style: chr4-55136886-A-C.
Other names: c.1208A>C, p.Lys403Thr (NM_001347827.2, NM_001347829.2); c.1283A>C, p.Lys428Thr (NM_001347828.2); c.1247A>C, p.Lys416Thr (NM_001347830.2); short protein forms K416T, K428T, K403T.
Identifiers: ClinVar variation 2736841 (VCV002736841.3), dbSNP rs2475472275, ClinGen allele CA356892055.

ClinVar aggregate classification (germline): Uncertain significance (1 of 4 stars; one submission).

Conditions:
Gastrointestinal stromal tumor. Also called: Gastrointestinal stromal tumor, somatic; Gastrointestinal stroma tumor. Identifiers: Orphanet 44890, MedGen C0238198, MeSH D046152, MONDO:0011719, OMIM 606764, HP:0100723.

Allele frequency attached by ClinVar (database versions not stated): gnomAD exomes below 0.00001.
gnomAD v4.1: 1 of 1,601,978 alleles (0.000062%); highest among the groups gnomAD compares: South Asian, 0.0011%; no homozygotes.

Submission:

Labcorp Genetics (formerly Invitae), Labcorp
Classification: Uncertain significance for Gastrointestinal stromal tumor. Last evaluated: 2025-10-27. Review status: criteria provided, single submitter. Criteria: Invitae Variant Classification Sherloc (09022015). Collection method: clinical testing. Allele origin: germline.
Comment: This sequence change replaces lysine, which is basic and polar, with threonine, which is neutral and polar, at codon 403 of the PDGFRA protein (p.Lys403Thr). This variant is not present in population databases (gnomAD no frequency). This variant has not been reported in the literature in individuals affected with PDGFRA-related conditions. ClinVar contains an entry for this variant (Variation ID: 2736841). Invitae Evidence Modeling of protein sequence and biophysical properties (such as structural, functional, and spatial information, amino acid conservation, physicochemical variation, residue mobility, and thermodynamic stability) indicates that this missense variant is not expected to disrupt PDGFRA protein function with a negative predictive value of 80%. In summary, the available evidence is currently insufficient to determine the role of this variant in disease. Therefore, it has been classified as a Variant of Uncertain Significance.